The following is an entry in ClinVar:

ClinVar aggregate classification (germline): Pathogenic (0 of 4 stars; one submission).

Conditions:
Bardet-Biedl syndrome (BBS). Identifiers: Orphanet 110, MedGen C0752166, MONDO:0015229.

Submission:

Genomic Medicine Center of Excellence, King Faisal Specialist Hospital and Research Centre
Classification: Pathogenic for Bardet-Biedl syndrome. Review status: no assertion criteria provided. Collection method: research. Allele origin: germline. Affected: yes. Observed: 3 homozygotes. Clinical features observed: Obesity, high myopia, hypogonadotrophic hypogonadism, polydactyly, coarctation of the aorta, Hirschsprung disease, learning disability.
Comment: By doing sanger PCR targeting each exons in BBS1 using primers designed specifically that can cover 100 base pair upstream and downstream each exons, all exons were amplified using DNA from three affected except exon 14. When we did Reverse Transcriptase-PCR using primers that specifically amplified on cDNA, exon 1-12 were present and no amplifications were obtained from exon13-last exon (17) using the cDNA from two affected members. These result suggest that chromosomal rearrangement occurs from intron 13 in this gene. This family has three affected members and autozygosity mapping showed a large shared homozygous region between the three affected that links to BBS1.

NC_000011.10:g.66526690_66533668del

Genes: ZDHHC24 (zDHHC palmitoyltransferase 24; minus strand), BBS1 (Bardet-Biedl syndrome 1; plus strand). Cytogenetic location: 11q13.2.
Variant type: Deletion.
Molecular consequence: splice acceptor variant, splice donor variant (on NM_001348571.2).
Genome position: GRCh38: chr11:66,526,690-66,533,668. GRCh37 (hg19): chr11:66,294,161-66,301,139.
Other names: c.560-4178_*21+248del (NM_001348571.2).
Identifiers: ClinVar variation 266090 (VCV000266090.3), ClinGen allele CA10588969.